The following is an entry in ClinVar:

NM_000517.4(HBA2):c.429A>T (p.Ter143Tyr)

Genes: HBA2 (hemoglobin subunit alpha 2; plus strand), LOC106804612 (hemoglobin subunit alpha 2 recombination region; plus strand). Cytogenetic location: 16p13.3.
Variant type: single nucleotide variant.
Coding change: c.429A>T on transcript NM_000517.4; coding-DNA position 429, A replaced by T.
Protein change: p.Ter143Tyr.
Molecular consequence: stop lost (on NM_000517.6).
Genome position (GRCh38, 1-based): chr16:173,600, A>T. VCF-style: chr16-173600-A-T. GRCh37 (hg19) VCF-style: chr16-223599-A-T.
Other names: *142Y; *143Y; p.*143Tyrext*31; c.429A>T, p.Ter143Tyr (NM_000517.6); c.429A>T (NM_000517.5).
Identifiers: ClinVar variation 15652 (VCV000015652.16), dbSNP rs41412046, ClinGen allele CA125595.

ClinVar aggregate classification (germline): Pathogenic. Review status: criteria provided, multiple submitters, no conflicts (2 of 4 stars). 5 submissions from 5 submitters: Pathogenic (4). 1 of the submissions does not count toward it. Last evaluated 2025-09-04.

Conditions:
Hemoglobin H disease, nondeletional. Identifiers: MedGen C3279561.
alpha Thalassemia. Also called: Alpha thalassemia spectrum. Identifiers: Orphanet 846, MedGen C0002312, MONDO:0011399, OMIM 604131.

Allele frequency attached by ClinVar (database versions not stated): gnomAD 0.00001.

Submissions (5):

Natera, Inc.
Classification: Pathogenic for Alpha thalassemia. Last evaluated: 2025-09-04. Review status: criteria provided, single submitter. Criteria: Natera Variant Classification Schema (03/2026). Collection method: clinical testing. Allele origin: germline.
Comment: The c.429A>T variant in HBA2 is a stop-loss variant predicted to disrupt the normal termination codon and extend translation beyond the canonical stop site. This variant is rare in the general population with a frequency below the threshold expected for the associated phenotype(s). This variant has been observed in one or more individuals affected with the associated recessive disease, as either homozygous or compound heterozygous with a second variant (PMID: 11836160). Given the available evidence, this variant is classified as Pathogenic.

ARUP Laboratories, Molecular Genetics and Genomics, ARUP Laboratories
Classification: Pathogenic. Last evaluated: 2025-02-24. Review status: criteria provided, single submitter. Criteria: ARUP Molecular Germline Variant Investigation Process 2024. Collection method: clinical testing. Allele origin: germline.
Comment: The Hb Pakse variant (HBA2: c.429A>T; p.Ter143Tyr, also known as Ter142Tyr when numbered from the mature protein, rs41412046. HbVar ID: 707) has been described in multiple individuals with alpha-thalassemia (Nguyen 2014, Pichanun 2010, Waye 1994, HbVar database). Hb Pakse is one of the most prevalent non-deletion alpha-thalassemias in Southeast Asia (Singsanan 2007). This variant is listed in ClinVar (Variation ID: 15652), and is absent from the Genome Aggregation Database, indicating it is not a common polymorphism. This variant altered the canonical termination codon, and creates elongated, unstable mRNA that results in reduced alpha-chain synthesis (Waye 1994). Based on available information, the Hb Pakse variant is considered to be pathogenic. References: Link to HbVar database: Nguyen et al. Hemoglobin Constant Spring is markedly high in women of an ethnic minority group in Vietnam: a community-based survey and hematologic features. Blood Cells Mol Dis. 2014; 52(4):161-5. PMID: 24368026. Pichanun et al. Molecular screening of the Hbs Constant Spring (codon 142, TAA>CAA, alpha2) and Pakse (codon 142, TAA>TAT, alpha2) mutations in Thailand. Hemoglobin. 2010; 34(6):582-6. PMID: 21077767. Singsanan et al. Molecular characterization and origins of Hb Constant Spring and Hb Pakse in Southeast Asian populations. Ann Hematol. 2007; 86(9):665-9. PMID: 17589844. Waye et al. Identification of a novel termination codon mutation (TAA-->TAT, Term-->Tyr) in the alpha 2 globin gene of a Laotian girl with hemoglobin H disease. Blood. 1994; 83(11):3418-20. PMID: 8193381.

Quest Diagnostics Nichols Institute San Juan Capistrano
Classification: Pathogenic. Last evaluated: 2023-09-19. Review status: criteria provided, single submitter. Criteria: Quest Diagnostics criteria. Collection method: clinical testing. Allele origin: unknown.
Comment: The HBA2 c.429A>T (p.*143Tyrext*31) variant, also known as Hb Pakse, disrupts the translation stop codon of the HBA2 mRNA and is predicted to cause HBA2 protein elongation. This variant has been reported in the published literature in individuals compound heterozygous with the SEA alpha-1 deletion affected with Hb H disease (PMIDs: 8193381 (1994), 11836160 (2002)) and individuals compound heterozygous with Hb Adana (PMID: 27271331 (2016)) and Hb Constant Spring affected with alpha-thalassemia (PMIDs: 21077767 (2010), 27271331 (2016), 28244614 (2018), 30615015 (2019)). This variant has not been reported in large, multi-ethnic general populations (Genome Aggregation Database). Based on the available information, this variant is classified as pathogenic.

Women's Health and Genetics/Laboratory Corporation of America, LabCorp
Classification: Pathogenic for alpha Thalassemia. Last evaluated: 2023-08-29. Review status: criteria provided, single submitter. Criteria: LabCorp Variant Classification Summary - May 2015. Collection method: clinical testing. Allele origin: germline.
Comment: Variant summary: HBA2 c.429A>T (p.X143TyrextX31) changes the termination codon and is predicted to lead to an extended protein with additional amino acids added to the normal C-terminus. This variant is also known as Hb Pakse. Four other extensions variants disrupting this termination codon have been classified as pathogenic/likely pathogenic by ClinVar submitters. The variant was absent in 248852 control chromosomes (gnomAD). c.429A>T has been reported in the literature in multiple individuals affected with Alpha Thalassemia who were compound heterozygous with other pathogenic variants (Waye_1994, Sanchaisuriya_2002, Pornprasert_2012). These data indicate that the variant is very likely to be associated with disease. The following publications have been ascertained in the context of this evaluation (PMID: 8193381, 22881835, 12403487). Three submitters have cited clinical-significance assessments for this variant to ClinVar after 2014. All submitters classified the variant as pathogenic. Based on the evidence outlined above, the variant was classified as pathogenic.

OMIM
Classification: Pathogenic for HEMOGLOBIN PAKSE. Last evaluated: 1994-06-01. Review status: no assertion criteria provided. Collection method: literature only. Allele origin: germline. Not counted in ClinVar's aggregate classification.

Literature cited by the submitters: PubMed 11836160 (cited by Natera, Inc. and Quest Diagnostics Nichols Institute San Juan Capistrano); PubMed 27271331 (cited by Quest Diagnostics Nichols Institute San Juan Capistrano); PubMed 8193381 (cited by 3 submitters); PubMed 21077767 (cited by Quest Diagnostics Nichols Institute San Juan Capistrano); PubMed 28244614 (cited by Quest Diagnostics Nichols Institute San Juan Capistrano); PubMed 30615015 (cited by Quest Diagnostics Nichols Institute San Juan Capistrano); PubMed 12403487 (cited by Women's Health and Genetics/Laboratory Corporation of America, LabCorp); PubMed 22881835 (cited by Women's Health and Genetics/Laboratory Corporation of America, LabCorp).